The following is an entry in ClinVar:

NM_018706.7(DHTKD1):c.2116C>T (p.Pro706Ser)

Gene: DHTKD1 (dehydrogenase E1 and transketolase domain containing 1; plus strand). Cytogenetic location: 10p14.
Variant type: single nucleotide variant.
Coding change: c.2116C>T on transcript NM_018706.7 (MANE Select); coding-DNA position 2116, C replaced by T.
Protein change: p.Pro706Ser; replaces proline 706 with serine.
Molecular consequence: missense variant.
Genome position (GRCh38, 1-based): chr10:12,107,977, C>T. VCF-style: chr10-12107977-C-T. GRCh37 (hg19) VCF-style: chr10-12149976-C-T.
Other names: c.2116C>T (NM_018706.5); short protein forms P706S.
Identifiers: ClinVar variation 2973101 (VCV002973101.5), dbSNP rs763819099, ClinGen allele CA5408139.

ClinVar aggregate classification (germline): Uncertain significance. Review status: criteria provided, multiple submitters, no conflicts (2 of 4 stars). 2 submissions from 2 submitters: Uncertain significance (2). Last evaluated 2025-01-29.

Conditions:
Inborn genetic diseases. Identifiers: MedGen C0950123, MeSH D030342.
2-aminoadipic 2-oxoadipic aciduria (AAKAD). Also called: Aminoadipic aciduria; ALPHA-AMINOADIPIC AND ALPHA-KETOADIPIC ACIDURIA. Identifiers: Orphanet 79154, MedGen C1859817, MONDO:0008774, OMIM 204750.

Allele frequency attached by ClinVar (database versions not stated): ExAC 0.00001; gnomAD exomes 0.00001; TOPMed 0.00001.
gnomAD v4.1: 8 of 1,613,928 alleles (0.0005%); highest among the groups gnomAD compares: Admixed American, 0.0067%; no homozygotes.

Submissions (2):

Ambry Genetics
Classification: Uncertain significance for Inborn genetic diseases. Last evaluated: 2025-01-29. Review status: criteria provided, single submitter. Criteria: Ambry Variant Classification Scheme 2023. Collection method: clinical testing. Allele origin: germline.
Comment: The c.2116C>T (p.P706S) alteration is located in exon 12 (coding exon 12) of the DHTKD1 gene. This alteration results from a C to T substitution at nucleotide position 2116, causing the proline (P) at amino acid position 706 to be replaced by a serine (S). Based on data from gnomAD, the T allele has an overall frequency of 0.002% (4/251316) total alleles studied. The highest observed frequency was 0.012% (4/34570) of Latino alleles. This amino acid position is highly conserved in available vertebrate species. This alteration is predicted to be deleterious by in silico analysis. Based on insufficient or conflicting evidence, the clinical significance of this alteration remains unclear.

Labcorp Genetics (formerly Invitae), Labcorp
Classification: Uncertain significance for 2-aminoadipic 2-oxoadipic aciduria. Last evaluated: 2023-01-24. Review status: criteria provided, single submitter. Criteria: Invitae Variant Classification Sherloc (09022015). Collection method: clinical testing. Allele origin: germline.
Comment: This variant is present in population databases (rs763819099, gnomAD 0.01%). In summary, the available evidence is currently insufficient to determine the role of this variant in disease. Therefore, it has been classified as a Variant of Uncertain Significance. Advanced modeling of protein sequence and biophysical properties (such as structural, functional, and spatial information, amino acid conservation, physicochemical variation, residue mobility, and thermodynamic stability) performed at Invitae indicates that this missense variant is not expected to disrupt DHTKD1 protein function. This variant has not been reported in the literature in individuals affected with DHTKD1-related conditions. This sequence change replaces proline, which is neutral and non-polar, with serine, which is neutral and polar, at codon 706 of the DHTKD1 protein (p.Pro706Ser).